The following is an entry in ClinVar:

NM_001014342.3(FLG2):c.5914T>A (p.Ser1972Thr)

Genes: CCDST (cervical cancer associated DHX9 suppressive transcript; plus strand), FLG2 (filaggrin 2; minus strand). Cytogenetic location: 1q21.3.
Variant type: single nucleotide variant.
Coding change: c.5914T>A on transcript NM_001014342.3 (MANE Select); coding-DNA position 5914, T replaced by A.
Protein change: p.Ser1972Thr; replaces serine 1972 with threonine.
Molecular consequence: missense variant.
Genome position (GRCh38, 1-based): chr1:152,351,872, A>T on the plus strand (T>A on the coding strand, the complement: FLG2 is on the minus strand). VCF-style: chr1-152351872-A-T. GRCh37 (hg19) VCF-style: chr1-152324348-A-T.
Other names: short protein forms S1972T.
Identifiers: ClinVar variation 2362680 (VCV002362680.25), dbSNP rs144875878, ClinGen allele CA1108408.

ClinVar aggregate classification (germline): Conflicting classifications of pathogenicity. Review status: criteria provided, conflicting classifications (1 of 4 stars). 2 submissions from 2 submitters: Uncertain significance (1); Likely benign (1). Last evaluated 2025-05-01.

Allele frequency attached by ClinVar (database versions not stated): 1000 Genomes Project 0.00040; 1000 Genomes Project 30x 0.00062; ExAC 0.00090; gnomAD 0.00096; ESP Exome Variant Server 0.00100; gnomAD exomes 0.00161.
gnomAD v4.1: 2,460 of 1,610,342 alleles (0.15%); highest among the groups gnomAD compares: Non-Finnish European, 0.19%; 4 homozygotes.

Submissions (2):

CeGaT Center for Human Genetics Tuebingen
Classification: Likely benign. Last evaluated: 2025-05-01. Review status: criteria provided, single submitter. Criteria: CeGaT Center For Human Genetics Tuebingen Variant Classification Criteria Version 2. Collection method: clinical testing. Allele origin: germline. Affected: yes. Observed: 3 variant alleles.
Comment: FLG2: BP4, BS2

Ambry Genetics
Classification: Uncertain significance. Last evaluated: 2024-08-20. Review status: criteria provided, single submitter. Criteria: Ambry Variant Classification Scheme 2023. Collection method: clinical testing. Allele origin: germline.